The following is an entry in ClinVar:

ClinVar aggregate classification (germline): Likely benign. Review status: criteria provided, multiple submitters, no conflicts (2 of 4 stars). 6 submissions from 6 submitters: Likely benign (6). Last evaluated 2025-02-19.

Conditions:
Inborn genetic diseases. Identifiers: MedGen C0950123, MeSH D030342.
Charcot-Marie-Tooth disease. Also called: Charcot-Marie-Tooth Neuropathy; Charcot-Marie-Tooth Hereditary Neuropathy. Identifiers: Orphanet 166, MedGen C0007959, MONDO:0015626.
Charcot-Marie-Tooth disease type 4. Also called: Charcot-Marie-Tooth, Type 4; Charcot-Marie-Tooth disease, type IV. Identifiers: Orphanet 64749, MedGen C4082197, MONDO:0018995.

Allele frequency attached by ClinVar (database versions not stated): ESP Exome Variant Server 0.00008; TOPMed 0.00010.
gnomAD v4.1: 24 of 1,613,888 alleles (0.0015%); highest among the groups gnomAD compares: African/African-American, 0.029%; no homozygotes.

Submissions (6):

Women's Health and Genetics/Laboratory Corporation of America, LabCorp
Classification: Likely benign. Last evaluated: 2025-02-19. Review status: criteria provided, single submitter. Criteria: LabCorp Variant Classification Summary - May 2015. Collection method: clinical testing. Allele origin: germline.

ARUP Laboratories, Molecular Genetics and Genomics, ARUP Laboratories
Classification: Likely benign. Last evaluated: 2024-08-02. Review status: criteria provided, single submitter. Criteria: ARUP Molecular Germline Variant Investigation Process 2024. Collection method: clinical testing. Allele origin: germline.

Labcorp Genetics (formerly Invitae), Labcorp
Classification: Likely benign for Charcot-Marie-Tooth disease type 4. Last evaluated: 2024-01-18. Review status: criteria provided, single submitter. Criteria: Invitae Variant Classification Sherloc (09022015). Collection method: clinical testing. Allele origin: germline.

Ambry Genetics
Classification: Likely benign for Inborn genetic diseases. Last evaluated: 2019-07-11. Review status: criteria provided, single submitter. Criteria: Ambry Variant Classification Scheme 2023. Collection method: clinical testing. Allele origin: germline.

GeneDx
Classification: Likely benign. Last evaluated: 2017-10-05. Review status: criteria provided, single submitter. Criteria: GeneDx Variant Classification (06012015). Collection method: clinical testing. Allele origin: germline. Affected: yes.
Comment: This variant is considered likely benign or benign based on one or more of the following criteria: it is a conservative change, it occurs at a poorly conserved position in the protein, it is predicted to be benign by multiple in silico algorithms, and/or has population frequency not consistent with disease.

Molecular Genetics Laboratory, London Health Sciences Centre
Classification: Likely benign for Charcot-Marie-Tooth disease. Review status: criteria provided, single submitter. Criteria: ACMG Guidelines, 2015. Collection method: clinical testing. Allele origin: germline. Affected: yes.

NM_181882.3(PRX):c.2641C>A (p.Arg881=)

Gene: PRX (periaxin; minus strand). Cytogenetic location: 19q13.2.
Variant type: single nucleotide variant.
Coding change: c.2641C>A on transcript NM_181882.3 (MANE Select); coding-DNA position 2641, C replaced by A.
Protein change: p.Arg881=; no amino-acid change (arginine 881 retained).
Molecular consequence: synonymous variant. On other transcripts: 3 prime UTR variant (1).
Genome position (GRCh38, 1-based): chr19:40,395,711, G>T on the plus strand (C>A on the coding strand, the complement: PRX is on the minus strand). VCF-style: chr19-40395711-G-T. GRCh37 (hg19) VCF-style: chr19-40901618-G-T.
Other names: c.*2846C>A (NM_020956.2).
Identifiers: ClinVar variation 476960 (VCV000476960.16), dbSNP rs375201649, ClinGen allele CA9444012.